The following is an entry in ClinVar:

NM_024675.4(PALB2):c.2834+18A>T

Gene: PALB2 (partner and localizer of BRCA2; minus strand). Cytogenetic location: 16p12.2.
Variant type: single nucleotide variant.
Coding change: c.2834+18A>T on transcript NM_024675.4 (MANE Select); 18 bases into the intron after coding-DNA position 2834, A replaced by T.
Molecular consequence: intron variant.
Genome position (GRCh38, 1-based): chr16:23,623,991, T>A on the plus strand (A>T on the coding strand, the complement: PALB2 is on the minus strand). VCF-style: chr16-23623991-T-A. GRCh37 (hg19) VCF-style: chr16-23635312-T-A.
Identifiers: ClinVar variation 138576 (VCV000138576.21), dbSNP rs114491776, ClinGen allele CA292652.

ClinVar aggregate classification (germline): Benign/Likely benign. Review status: criteria provided, multiple submitters, no conflicts (2 of 4 stars). 10 submissions from 10 submitters: Benign (4); Likely benign (5). 1 of the submissions does not count toward it. Last evaluated 2026-02-03.

Conditions:
Breast-ovarian cancer, familial, susceptibility to, 5 (BROVCA5). Identifiers: MedGen C5830615, MONDO:0957530, OMIM 620442.
Hereditary cancer-predisposing syndrome. Also called: Tumor predisposition; Hereditary neoplastic syndrome; Neoplastic Syndromes, Hereditary; Hereditary Cancer Syndrome. Identifiers: Orphanet 140162, MedGen C0027672, MeSH D009386, MONDO:0015356.
Hereditary breast ovarian cancer syndrome. Also called: Hereditary breast and ovarian cancer; BRCA1- and BRCA2-Associated Hereditary Breast and Ovarian Cancer; Hereditary breast and/or ovarian cancer syndrome; Hereditary breast and ovarian cancer syndrome; Hereditary breast and ovarian cancer syndrome (HBOC); Breast and ovarian cancer. Identifiers: Orphanet 145, MedGen C0677776, MeSH D061325, MONDO:0003582. Disease mechanism: loss of function.
Familial cancer of breast. Also called: hereditary breast carcinoma; Hereditary breast cancer; BREAST CANCER, FAMILIAL. Identifiers: Orphanet 227535, MedGen C0346153, MONDO:0016419, OMIM 114480. Disease mechanism: loss of function.

Allele frequency attached by ClinVar (database versions not stated): ExAC 0.00039; 1000 Genomes Project 0.00100; gnomAD 0.00107 and 0.00113; TOPMed 0.00108; 1000 Genomes Project 30x 0.00109; ESP Exome Variant Server 0.00139.
gnomAD v4.1: 286 of 1,531,466 alleles (0.019%); highest among the groups gnomAD compares: African/African-American, 0.35%; no homozygotes.

Submissions (10):

Labcorp Genetics (formerly Invitae), Labcorp
Classification: Benign for Familial cancer of breast. Last evaluated: 2026-02-03. Review status: criteria provided, single submitter. Criteria: Invitae Variant Classification Sherloc (09022015). Collection method: clinical testing. Allele origin: germline.

Blueprint Genetics
Classification: Likely benign. Last evaluated: 2024-11-21. Review status: criteria provided, single submitter. Criteria: ACMG Guidelines, 2015. Collection method: clinical testing. Allele origin: germline.

Dasa
Classification: Benign for Breast-ovarian cancer, familial, susceptibility to, 5. Last evaluated: 2024-11-20. Review status: criteria provided, single submitter. Criteria: DASA Assertion Criteria. Collection method: clinical testing. Allele origin: germline.
Comment: NM_024675.4(PALB2):c.2834+18A>T is an intronic variant. Population frequency is inconsistent with a disease-causing role for this variant, and the variant context is inconsistent with a known disease-causing mechanism. Computational prediction algorithms are consistent with a benign effect. Therefore, based on the currently available evidence, this variant is classified as benign.

KCCC/NGS Laboratory, Kuwait Cancer Control Center
Classification: Benign for Breast-ovarian cancer, familial, susceptibility to, 5. Last evaluated: 2023-07-07. Review status: criteria provided, single submitter. Criteria: ACMG Guidelines, 2015. Collection method: clinical testing. Allele origin: germline. Affected: yes.

National Health Laboratory Service, Universitas Academic Hospital and University of the Free State
Classification: Likely benign for Hereditary breast ovarian cancer syndrome. Last evaluated: 2022-04-19. Review status: criteria provided, single submitter. Criteria: ACMG Guidelines, 2015. Collection method: clinical testing. Allele origin: germline. Affected: yes. Observed: 1 variant allele.

PreventionGenetics, part of Exact Sciences
Classification: Likely benign. Last evaluated: 2017-08-11. Review status: criteria provided, single submitter. Criteria: ACMG Guidelines, 2015. Collection method: clinical testing. Allele origin: germline.

Color Diagnostics, LLC DBA Color Health
Classification: Likely benign for Hereditary cancer-predisposing syndrome. Last evaluated: 2015-09-23. Review status: criteria provided, single submitter. Criteria: ACMG Guidelines, 2015. Collection method: clinical testing. Allele origin: germline.

Ambry Genetics
Classification: Likely benign for Hereditary cancer-predisposing syndrome. Last evaluated: 2015-01-13. Review status: criteria provided, single submitter. Criteria: Ambry Variant Classification Scheme 2023. Collection method: clinical testing. Allele origin: germline.

GeneDx
Classification: Benign. Last evaluated: 2014-06-08. Review status: criteria provided, single submitter. Criteria: GeneDx Variant Classification (06012015). Collection method: clinical testing. Allele origin: germline. Affected: yes.
Comment: This variant is considered likely benign or benign based on one or more of the following criteria: it is a conservative change, it occurs at a poorly conserved position in the protein, it is predicted to be benign by multiple in silico algorithms, and/or has population frequency not consistent with disease.

Counsyl
Classification: Likely benign for Familial cancer of breast. Last evaluated: 2016-07-21. Review status: no assertion criteria provided. Collection method: clinical testing. Allele origin: unknown. Not counted in ClinVar's aggregate classification.